The following is an entry in ClinVar:

NM_000038.6(APC):c.6330C>G (p.Ser2110=)

Gene: APC (APC regulator of Wnt signaling pathway; plus strand). Cytogenetic location: 5q22.2.
Variant type: single nucleotide variant.
Coding change: c.6330C>G on transcript NM_000038.6 (MANE Select); coding-DNA position 6330, C replaced by G.
Protein change: p.Ser2110=; no amino-acid change (serine 2110 retained).
Molecular consequence: synonymous variant. On other transcripts: non-coding transcript variant (2).
Genome position (GRCh38, 1-based): chr5:112,841,924, C>G. VCF-style: chr5-112841924-C-G. GRCh37 (hg19) VCF-style: chr5-112177621-C-G.
Other names: c.6330C>G, p.Ser2110= (NM_001127510.3, NM_001354895.2, NM_001407450.1); c.6276C>G, p.Ser2092= (NM_001127511.3); c.6384C>G, p.Ser2128= (NM_001354896.2, NM_001407447.1, NM_001407448.1 and 1 more transcripts); c.6360C>G, p.Ser2120= (NM_001354897.2); c.6255C>G, p.Ser2085= (NM_001354898.2); c.6246C>G, p.Ser2082= (NM_001354899.2); c.6207C>G, p.Ser2069= (NM_001354900.2); c.6153C>G, p.Ser2051= (NM_001354901.2, NM_001407453.1); and 11 more.
Identifiers: ClinVar variation 3230859 (VCV003230859.2), dbSNP rs2149962502, ClinGen allele CA446210330.
Genomic context (GRCh38, chr5:112,841,924, plus strand): 5'-TGGTCTATCCCCTGATTCAGAAAATTTTGATTGGAAAGCTATTCAGGAAGGTGCAAATTC[C>G]ATAGTAAGTAGTTTACATCAAGCTGCTGCTGCTGCATGTTTATCTAGACAAGCTTCGTCT-3'
Protein context (NP_000029.2, residues 2100-2120): DWKAIQEGAN[Ser2110=]IVSSLHQAAA

ClinVar aggregate classification (germline): Benign/Likely benign. Review status: criteria provided, multiple submitters, no conflicts (2 of 4 stars). 2 submissions from 2 submitters: Benign (1); Likely benign (1). Last evaluated 2024-04-04.

Conditions:
Familial adenomatous polyposis 1 (FAP1). Also called: POLYPOSIS, ADENOMATOUS INTESTINAL; FAMILIAL ADENOMATOUS POLYPOSIS 1, ATTENUATED. Identifiers: MedGen C2713442, MONDO:0021056, OMIM 175100. Disease mechanism: loss of function.
Hereditary cancer-predisposing syndrome. Also called: Neoplastic Syndromes, Hereditary; Tumor predisposition; Hereditary neoplastic syndrome; Hereditary Cancer Syndrome. Identifiers: Orphanet 140162, MedGen C0027672, MeSH D009386, MONDO:0015356.

Submissions (2):

Myriad Genetics, Inc.
Classification: Benign for Familial adenomatous polyposis 1. Last evaluated: 2024-04-04. Review status: criteria provided, single submitter. Criteria: Myriad Autosomal Dominant, Autosomal Recessive and X-Linked Classification Criteria (2023). Collection method: clinical testing. Allele origin: unknown.
Comment: This variant is considered benign. This variant is a silent/synonymous amino acid change and it is not expected to impact splicing.

Ambry Genetics
Classification: Likely benign for Hereditary cancer-predisposing syndrome. Last evaluated: 2024-02-28. Review status: criteria provided, single submitter. Criteria: Ambry Variant Classification Scheme 2023. Collection method: clinical testing. Allele origin: germline.